The following is an entry in ClinVar:

NM_004958.4(MTOR):c.1381G>A (p.Ala461Thr)

Gene: MTOR (mechanistic target of rapamycin kinase; minus strand). Cytogenetic location: 1p36.22.
Variant type: single nucleotide variant.
Coding change: c.1381G>A on transcript NM_004958.4 (MANE Select); coding-DNA position 1381, G replaced by A.
Protein change: p.Ala461Thr; replaces alanine 461 with threonine.
Molecular consequence: missense variant.
Genome position (GRCh38, 1-based): chr1:11,243,145, C>T on the plus strand (G>A on the coding strand, the complement: MTOR is on the minus strand). VCF-style: chr1-11243145-C-T. GRCh37 (hg19) VCF-style: chr1-11303202-C-T.
Other names: c.1381G>A, p.Ala461Thr (NM_001386500.1); c.133G>A, p.Ala45Thr (NM_001386501.1); short protein forms A461T, A45T.
Identifiers: ClinVar variation 2144624 (VCV002144624.4), dbSNP rs2100921948, ClinGen allele CA338395894.

ClinVar aggregate classification (germline): Uncertain significance (1 of 4 stars; one submission).

Allele frequency attached by ClinVar (database versions not stated): gnomAD exomes below 0.00001.

Submission:

Labcorp Genetics (formerly Invitae), Labcorp
Classification: Uncertain significance. Last evaluated: 2024-10-28. Review status: criteria provided, single submitter. Criteria: Invitae Variant Classification Sherloc (09022015). Collection method: clinical testing. Allele origin: germline.
Comment: This sequence change replaces alanine, which is neutral and non-polar, with threonine, which is neutral and polar, at codon 461 of the MTOR protein (p.Ala461Thr). This variant is not present in population databases (gnomAD no frequency). This variant has not been reported in the literature in individuals affected with MTOR-related conditions. ClinVar contains an entry for this variant (Variation ID: 2144624). Invitae Evidence Modeling of protein sequence and biophysical properties (such as structural, functional, and spatial information, amino acid conservation, physicochemical variation, residue mobility, and thermodynamic stability) indicates that this missense variant is not expected to disrupt MTOR protein function with a negative predictive value of 95%. In summary, the available evidence is currently insufficient to determine the role of this variant in disease. Therefore, it has been classified as a Variant of Uncertain Significance.